The following is an entry in ClinVar:

NM_145290.4(ADGRA3):c.2408T>G (p.Phe803Cys)

Gene: ADGRA3 (adhesion G protein-coupled receptor A3; minus strand). Cytogenetic location: 4p15.2.
Variant type: single nucleotide variant.
Coding change: c.2408T>G on transcript NM_145290.4 (MANE Select); coding-DNA position 2408, T replaced by G.
Protein change: p.Phe803Cys; replaces phenylalanine 803 with cysteine.
Molecular consequence: missense variant.
Genome position (GRCh38, 1-based): chr4:22,401,504, A>C on the plus strand (T>G on the coding strand, the complement: ADGRA3 is on the minus strand). VCF-style: chr4-22401504-A-C. GRCh37 (hg19) VCF-style: chr4-22403127-A-C.
Other names: short protein forms F803C.
Identifiers: ClinVar variation 937142 (VCV000937142.9), dbSNP rs1714646783, ClinGen allele CA356476921.
Genomic context (GRCh38, chr4:22,401,504, plus strand): 5'-CTGGCATTCCTAGTCTGGGTTATTCCTCCCACAAAGACCACACAGGTTAGGAAAATATGA[A>C]AGCACAAGTTCACAAGCATGTGCCAGCTCTTGAGGCTGATTCTAATCAAACTGTTTAAAA-3'
Protein context (NP_660333.2, residues 793-813): KSWHMLVNLC[Phe803Cys]HIFLTCVVFV

ClinVar aggregate classification (germline): Uncertain significance (1 of 4 stars; one submission).

Submission:

Labcorp Genetics (formerly Invitae), Labcorp
Classification: Uncertain significance. Last evaluated: 2024-11-13. Review status: criteria provided, single submitter. Criteria: Invitae Variant Classification Sherloc (09022015). Collection method: clinical testing. Allele origin: germline.
Comment: This sequence change replaces phenylalanine, which is neutral and non-polar, with cysteine, which is neutral and slightly polar, at codon 803 of the ADGRA3 protein (p.Phe803Cys). This variant is not present in population databases (gnomAD no frequency). This variant has not been reported in the literature in individuals affected with ADGRA3-related conditions. ClinVar contains an entry for this variant (Variation ID: 937142). An algorithm developed to predict the effect of missense changes on protein structure and function (PolyPhen-2) suggests that this variant is likely to be disruptive. In summary, the available evidence is currently insufficient to determine the role of this variant in disease. Therefore, it has been classified as a Variant of Uncertain Significance.